The following is an entry in ClinVar:

ClinVar aggregate classification (germline): Uncertain significance. Review status: criteria provided, multiple submitters, no conflicts (2 of 4 stars). 4 submissions from 4 submitters: Uncertain significance (3). 1 of the submissions does not count toward it. Last evaluated 2021-09-05.

Conditions:
Spastic paraplegia. Identifiers: MedGen C0037772, HP:0001258.
Charlevoix-Saguenay spastic ataxia (SACS). Also called: Spastic ataxia of Charlevoix-Saguenay; SPASTIC ATAXIA 6, AUTOSOMAL RECESSIVE; AUTOSOMAL RECESSIVE SPASTIC ATAXIA OF CHARLEVOIX-SAGUENAY. Identifiers: Orphanet 98, MedGen C1849140, MONDO:0010041, OMIM 270550.

Allele frequency attached by ClinVar (database versions not stated): gnomAD exomes below 0.00001; gnomAD 0.00001; TOPMed 0.00001.
gnomAD v4.1: 6 of 1,611,184 alleles (0.00037%); highest among the groups gnomAD compares: Non-Finnish European, 0.00051%; no homozygotes.

Submissions (4):

Genome-Nilou Lab
Classification: Uncertain significance for Charlevoix-Saguenay spastic ataxia. Last evaluated: 2021-09-05. Review status: criteria provided, single submitter. Criteria: ACMG Guidelines, 2015. Collection method: clinical testing. Allele origin: germline. Affected: no.

Labcorp Genetics (formerly Invitae), Labcorp
Classification: Uncertain significance for Spastic paraplegia. Last evaluated: 2021-08-31. Review status: criteria provided, single submitter. Criteria: Invitae Variant Classification Sherloc (09022015). Collection method: clinical testing. Allele origin: germline.
Comment: This sequence change replaces aspartic acid with glutamic acid at codon 1594 of the SACS protein (p.Asp1594Glu). The aspartic acid residue is highly conserved and there is a small physicochemical difference between aspartic acid and glutamic acid. This variant is not present in population databases (ExAC no frequency). This variant has not been reported in the literature in individuals affected with SACS-related conditions. Algorithms developed to predict the effect of missense changes on protein structure and function are either unavailable or do not agree on the potential impact of this missense change (SIFT: "Deleterious"; PolyPhen-2: "Probably Damaging"; Align-GVGD: "Class C0"). In summary, the available evidence is currently insufficient to determine the role of this variant in disease. Therefore, it has been classified as a Variant of Uncertain Significance.

Illumina Laboratory Services, Illumina
Classification: Uncertain significance for Charlevoix-Saguenay spastic ataxia. Last evaluated: 2018-01-13. Review status: criteria provided, single submitter. Criteria: ICSL Variant Classification Criteria 13 December 2019. Collection method: clinical testing. Allele origin: germline.

Natera, Inc.
Classification: Uncertain significance for Charlevoix-Saguenay type spastic ataxia. Last evaluated: 2021-01-05. Review status: no assertion criteria provided. Collection method: clinical testing. Allele origin: germline. Not counted in ClinVar's aggregate classification.

NM_014363.6(SACS):c.4782C>G (p.Asp1594Glu)

Gene: SACS (sacsin molecular chaperone; minus strand). Cytogenetic location: 13q12.12.
Variant type: single nucleotide variant.
Coding change: c.4782C>G on transcript NM_014363.6 (MANE Select); coding-DNA position 4782, C replaced by G.
Protein change: p.Asp1594Glu; replaces aspartic acid 1594 with glutamic acid.
Molecular consequence: missense variant.
Genome position (GRCh38, 1-based): chr13:23,339,094, G>C on the plus strand (C>G on the coding strand, the complement: SACS is on the minus strand). VCF-style: chr13-23339094-G-C. GRCh37 (hg19) VCF-style: chr13-23913233-G-C.
Other names: c.4341C>G, p.Asp1447Glu (NM_001278055.2); short protein forms D1447E, D1594E.
Identifiers: ClinVar variation 882272 (VCV000882272.16), dbSNP rs1330036755, ClinGen allele CA387527659.